The following is an entry in ClinVar:

ClinVar aggregate classification (germline): Conflicting classifications of pathogenicity. Review status: criteria provided, conflicting classifications (1 of 4 stars). 2 submissions from 2 submitters: Likely pathogenic (1); Uncertain significance (1). Last evaluated 2023-06-07.

Conditions:
Retinal dystrophy. Also called: Inherited retinal dystrophy. Identifiers: Orphanet 71862, MedGen C0854723, MeSH D058499, MONDO:0019118, HP:0000556.

gnomAD v4.1: 1 of 1,613,954 alleles (0.000062%); highest among the groups gnomAD compares: East Asian, 0.0022%; no homozygotes.

Submissions (2):

Women's Health and Genetics/Laboratory Corporation of America, LabCorp
Classification: Uncertain significance. Last evaluated: 2023-06-07. Review status: criteria provided, single submitter. Criteria: LabCorp Variant Classification Summary - May 2015. Collection method: clinical testing. Allele origin: germline.
Comment: Variant summary: MAK c.552G>C (p.Trp184Cys) results in a non-conservative amino acid change located in the Protein kinase domain (IPR000719) of the encoded protein sequence. Five of five in-silico tools predict a damaging effect of the variant on protein function. The variant was absent in 251444 control chromosomes (gnomAD). c.552G>C has been reported in the literature in an individual affected with Inherited retinal dystrophy (example: Huang_2015). These data indicate that the variant may be associated with disease. To our knowledge, no experimental evidence demonstrating an impact on protein function has been reported. The following publication has been ascertained in the context of this evaluation (PMID: 25356976). No clinical diagnostic laboratories have submitted clinical-significance assessments for this variant to ClinVar after 2014. Based on the evidence outlined above, the variant was classified as VUS-possibly pathogenic.

Institute of Human Genetics, Univ. Regensburg, Univ. Regensburg
Classification: Likely pathogenic for Retinal dystrophy. Last evaluated: 2018-01-01. Review status: criteria provided, single submitter. Criteria: ACMG Guidelines, 2015. Collection method: clinical testing. Allele origin: germline. Affected: yes.

Literature cited by the submitters: PubMed 25356976 (cited by Women's Health and Genetics/Laboratory Corporation of America, LabCorp and Institute of Human Genetics, Univ. Regensburg, Univ. Regensburg); PubMed 3105428 (cited by Institute of Human Genetics, Univ. Regensburg, Univ. Regensburg).

NM_001242957.3(MAK):c.552G>C (p.Trp184Cys)

Gene: MAK (male germ cell associated kinase; minus strand). Cytogenetic location: 6p24.2.
Variant type: single nucleotide variant.
Coding change: c.552G>C on transcript NM_001242957.3 (MANE Select); coding-DNA position 552, G replaced by C.
Protein change: p.Trp184Cys; replaces tryptophan 184 with cysteine.
Molecular consequence: missense variant. On other transcripts: non-coding transcript variant (2).
Genome position (GRCh38, 1-based): chr6:10,803,831, C>G on the plus strand (G>C on the coding strand, the complement: MAK is on the minus strand). VCF-style: chr6-10803831-C-G. GRCh37 (hg19) VCF-style: chr6-10804064-C-G.
Other names: c.552G>C, p.Trp184Cys (NM_001242385.2, NM_005906.6); c.450G>C, p.Trp150Cys (NM_001377262.1); short protein forms W150C, W184C.
Identifiers: ClinVar variation 2573465 (VCV002573465.2), dbSNP rs1459871246, ClinGen allele CA362720598.
Genomic context (GRCh38, chr6:10,803,831, plus strand): 5'-ACTTGTCCCTGGGAAAAGTGGCCTTAACATATAGAGTTCAGCCATGATACTTCCAACAGC[C>G]CACACATCAATGGGAGAACTATAAACTGAAGATCTCAGTAAAACTTCAGGGGCACGATAC-3'
Protein context (NP_001229886.1, residues 174-194): SSVYSSPIDV[Trp184Cys]AVGSIMAELY